The following is an entry in ClinVar:

ClinVar aggregate classification (germline): Uncertain significance (1 of 4 stars; one submission).

Submission:

Labcorp Genetics (formerly Invitae), Labcorp
Classification: Uncertain significance. Last evaluated: 2023-03-23. Review status: criteria provided, single submitter. Criteria: Invitae Variant Classification Sherloc (09022015). Collection method: clinical testing. Allele origin: germline.
Comment: Advanced modeling of protein sequence and biophysical properties (such as structural, functional, and spatial information, amino acid conservation, physicochemical variation, residue mobility, and thermodynamic stability) performed at Invitae indicates that this missense variant is expected to disrupt GATA3 protein function. In summary, the available evidence is currently insufficient to determine the role of this variant in disease. Therefore, it has been classified as a Variant of Uncertain Significance. This sequence change replaces lysine, which is basic and polar, with glutamic acid, which is acidic and polar, at codon 293 of the GATA3 protein (p.Lys293Glu). This variant has not been reported in the literature in individuals affected with GATA3-related conditions. This variant is not present in population databases (gnomAD no frequency).

NM_001002295.2(GATA3):c.877A>G (p.Lys293Glu)

Gene: GATA3 (GATA binding protein 3; plus strand). Cytogenetic location: 10p14.
Variant type: single nucleotide variant.
Coding change: c.877A>G on transcript NM_001002295.2 (MANE Select); coding-DNA position 877, A replaced by G.
Protein change: p.Lys293Glu; replaces lysine 293 with glutamic acid.
Molecular consequence: missense variant.
Genome position (GRCh38, 1-based): chr10:8,064,091, A>G. VCF-style: chr10-8064091-A-G. GRCh37 (hg19) VCF-style: chr10-8106054-A-G.
Other names: c.874A>G, p.Lys292Glu (NM_002051.3); short protein forms K293E, K292E.
Identifiers: ClinVar variation 2848905 (VCV002848905.3), dbSNP rs1832793116, ClinGen allele CA375973604.